The following is an entry in ClinVar:

ClinVar aggregate classification (germline): Likely pathogenic. Review status: criteria provided, multiple submitters, no conflicts (2 of 4 stars). 2 submissions from 2 submitters: Likely pathogenic (2). Last evaluated 2025-11-14.

Conditions:
Inborn genetic diseases. Identifiers: MedGen C0950123, MeSH D030342.

Submissions (2):

GeneDx
Classification: Likely pathogenic. Last evaluated: 2025-11-14. Review status: criteria provided, single submitter. Criteria: GeneDx Variant Classification Process June 2021. Collection method: clinical testing. Allele origin: germline. Affected: yes.
Comment: Not observed at significant frequency in large population cohorts (gnomAD); In silico analysis supports that this missense variant has a deleterious effect on protein structure/function; This variant is associated with the following publications: (PMID: 33368194, 20473311)

Ambry Genetics
Classification: Likely pathogenic for Inborn genetic diseases. Last evaluated: 2025-03-20. Review status: criteria provided, single submitter. Criteria: Ambry Variant Classification Scheme 2023. Collection method: clinical testing. Allele origin: germline.
Comment: The c.1076G>A (p.R359H) alteration is located in coding exon 4 of the IQSEC2 gene. This alteration results from a G to A substitution at nucleotide position 1076, causing the arginine (R) at amino acid position 359 to be replaced by a histidine (H). This variant was not reported in population-based cohorts in the Genome Aggregation Database (gnomAD). This variant was identified in one or more individuals with features consistent with IQSEC2-related neurodevelopmental disorder (Lopergolo, 2021, Ambry internal data) and segregated with disease in at least one family (Lopergolo, 2021). This amino acid position is highly conserved in available vertebrate species. This missense alteration is located in a region that has a low rate of benign missense variation (Lek, 2016; Firth, 2009). Based on internal structural analysis, this variant is anticipated to result in a significant decrease in structural stability (Ambry internal data). This alteration is predicted to be deleterious by in silico analysis. Based on the available evidence, this alteration is classified as likely pathogenic.

Literature cited by the submitters: PubMed 33368194 (cited by Ambry Genetics).

NM_001111125.3(IQSEC2):c.1076G>A (p.Arg359His)

Gene: IQSEC2 (IQ motif and Sec7 domain ArfGEF 2; minus strand). Cytogenetic location: Xp11.22.
Variant type: single nucleotide variant.
Coding change: c.1076G>A on transcript NM_001111125.3 (MANE Select); coding-DNA position 1076, G replaced by A.
Protein change: p.Arg359His; replaces arginine 359 with histidine.
Molecular consequence: missense variant.
Genome position (GRCh38, 1-based): chrX:53,254,855, C>T on the plus strand (G>A on the coding strand, the complement: IQSEC2 is on the minus strand). VCF-style: chrX-53254855-C-T. GRCh37 (hg19) VCF-style: chrX-53284037-C-T.
Other names: c.1076G>A, p.Arg359His (NM_001410736.1); c.461G>A, p.Arg154His (NM_015075.2); c.1076G>A (NM_001111125.1); short protein forms R154H, R359H.
Identifiers: ClinVar variation 2228369 (VCV002228369.5), dbSNP rs2519840681, ClinGen allele CA413170361.